The following is an entry in ClinVar:

NM_001127644.2(GABRA1):c.-4C>T

Gene: GABRA1 (gamma-aminobutyric acid type A receptor subunit alpha1; plus strand). Cytogenetic location: 5q34.
Variant type: single nucleotide variant.
Coding change: c.-4C>T on transcript NM_001127644.2 (MANE Select); 4 bases upstream of the start codon, C replaced by T.
Molecular consequence: 5 prime UTR variant.
Genome position (GRCh38, 1-based): chr5:161,850,807, C>T. VCF-style: chr5-161850807-C-T. GRCh37 (hg19) VCF-style: chr5-161277813-C-T.
Other names: c.-4C>T (NM_000806.5, NM_001127643.2, NM_001127645.2 and 1 more transcripts).
Identifiers: ClinVar variation 205513 (VCV000205513.9), dbSNP rs375475234, ClinGen allele CA314658.

ClinVar aggregate classification (germline): Benign/Likely benign. Review status: criteria provided, multiple submitters, no conflicts (2 of 4 stars). 3 submissions from 3 submitters: Benign (1); Likely benign (1). 1 of the submissions does not count toward it. Last evaluated 2024-10-01.

Conditions:
GABRA1-related disorder. Also called: GABRA1-related condition.

Allele frequency attached by ClinVar (database versions not stated): ESP Exome Variant Server 0.00008; gnomAD 0.00014; TOPMed 0.00014; ExAC 0.00015; gnomAD exomes 0.00017.
gnomAD v4.1: 265 of 1,613,814 alleles (0.016%); highest among the groups gnomAD compares: Admixed American, 0.083%; no homozygotes.

Submissions (3):

Athena Diagnostics
Classification: Likely benign. Last evaluated: 2024-10-01. Review status: criteria provided, single submitter. Criteria: Athena Diagnostics Criteria. Collection method: clinical testing. Allele origin: unknown.

GeneDx
Classification: Benign. Last evaluated: 2020-12-18. Review status: criteria provided, single submitter. Criteria: GeneDx Variant Classification Process June 2021. Collection method: clinical testing. Allele origin: germline. Affected: yes.

PreventionGenetics, part of Exact Sciences
Classification: Likely benign for GABRA1-related condition. Last evaluated: 2019-12-16. Review status: no assertion criteria provided. Collection method: clinical testing. Allele origin: germline. Not counted in ClinVar's aggregate classification.
Comment: This variant is classified as likely benign based on ACMG/AMP sequence variant interpretation guidelines (Richards et al. 2015 PMID: 25741868, with internal and published modifications).